The following is an entry in ClinVar:

ClinVar aggregate classification (germline): Uncertain significance (1 of 4 stars; one submission).

Conditions:
Charcot-Marie-Tooth disease type 4. Also called: Charcot-Marie-Tooth disease, type IV; Charcot-Marie-Tooth, Type 4. Identifiers: Orphanet 64749, MedGen C4082197, MONDO:0018995.

Submission:

Labcorp Genetics (formerly Invitae), Labcorp
Classification: Uncertain significance for Charcot-Marie-Tooth disease type 4. Last evaluated: 2024-03-04. Review status: criteria provided, single submitter. Criteria: Invitae Variant Classification Sherloc (09022015). Collection method: clinical testing. Allele origin: germline.
Comment: This sequence change replaces threonine, which is neutral and polar, with isoleucine, which is neutral and non-polar, at codon 601 of the FIG4 protein (p.Thr601Ile). This variant is not present in population databases (gnomAD no frequency). This variant has not been reported in the literature in individuals affected with FIG4-related conditions. ClinVar contains an entry for this variant (Variation ID: 1062190). An algorithm developed to predict the effect of missense changes on protein structure and function (PolyPhen-2) suggests that this variant is likely to be tolerated. In summary, the available evidence is currently insufficient to determine the role of this variant in disease. Therefore, it has been classified as a Variant of Uncertain Significance.

NM_014845.6(FIG4):c.1802C>T (p.Thr601Ile)

Gene: FIG4 (FIG4 phosphoinositide 5-phosphatase; plus strand). Cytogenetic location: 6q21.
Variant type: single nucleotide variant.
Coding change: c.1802C>T on transcript NM_014845.6 (MANE Select); coding-DNA position 1802, C replaced by T.
Protein change: p.Thr601Ile; replaces threonine 601 with isoleucine.
Molecular consequence: missense variant.
Genome position (GRCh38, 1-based): chr6:109,776,973, C>T. VCF-style: chr6-109776973-C-T. GRCh37 (hg19) VCF-style: chr6-110098176-C-T.
Other names: short protein forms T601I.
Identifiers: ClinVar variation 1062190 (VCV001062190.7), dbSNP rs1777638670, ClinGen allele CA365230054.